The following is an entry in ClinVar:

NM_006379.5(SEMA3C):c.1930A>G (p.Ile644Val)

Gene: SEMA3C (semaphorin 3C; minus strand). Cytogenetic location: 7q21.11.
Variant type: single nucleotide variant.
Coding change: c.1930A>G on transcript NM_006379.5 (MANE Select); coding-DNA position 1930, A replaced by G.
Protein change: p.Ile644Val; replaces isoleucine 644 with valine.
Molecular consequence: missense variant.
Genome position (GRCh38, 1-based): chr7:80,745,220, T>C on the plus strand (A>G on the coding strand, the complement: SEMA3C is on the minus strand). VCF-style: chr7-80745220-T-C. GRCh37 (hg19) VCF-style: chr7-80374536-T-C.
Other names: c.1930A>G (NM_006379.3); c.1984A>G, p.Ile662Val (NM_001350120.2); c.1756A>G, p.Ile586Val (NM_001350121.2); short protein forms I586V, I644V, I662V.
Identifiers: ClinVar variation 2636065 (VCV002636065.3), dbSNP rs1008178815, ClinGen allele CA161041591.

ClinVar aggregate classification (germline): Uncertain significance. Review status: criteria provided, multiple submitters, no conflicts (2 of 4 stars). 2 submissions from 2 submitters: Uncertain significance (2). Last evaluated 2025-10-20.

Conditions:
SEMA3C-related disorder. Also called: SEMA3C-related condition.

Allele frequency attached by ClinVar (database versions not stated): gnomAD 0.00002; TOPMed 0.00002; gnomAD exomes 0.00003.
gnomAD v4.1: 48 of 1,613,924 alleles (0.003%); highest among the groups gnomAD compares: Non-Finnish European, 0.0037%; no homozygotes.

Submissions (2):

PreventionGenetics, part of Exact Sciences
Classification: Uncertain significance for SEMA3C-related condition. Last evaluated: 2025-10-20. Review status: criteria provided, single submitter. Criteria: ACMG Guidelines, 2015. Collection method: clinical testing. Allele origin: germline.
Comment: The SEMA3C c.1984A>G variant is predicted to result in the amino acid substitution p.Ile662Val. To our knowledge, this variant has not been reported in the literature. This variant is reported in 0.0026% of alleles in individuals of European (Non-Finnish) descent in gnomAD. At this time, the clinical significance of this variant is uncertain due to the absence of conclusive functional and genetic evidence.

Ambry Genetics
Classification: Uncertain significance. Last evaluated: 2024-09-09. Review status: criteria provided, single submitter. Criteria: Ambry Variant Classification Scheme 2023. Collection method: clinical testing. Allele origin: germline.